The following is an entry in ClinVar:

ClinVar aggregate classification (germline): Uncertain significance (1 of 4 stars; one submission).

Conditions:
Developmental and epileptic encephalopathy, 42 (DEE42A). Also called: DEVELOPMENTAL AND EPILEPTIC ENCEPHALOPATHY 42A; EPILEPTIC ENCEPHALOPATHY, EARLY INFANTILE, 42A; Epileptic encephalopathy, early infantile, 42. Identifiers: MedGen C4310716, MONDO:0014917, OMIM 617106.
Episodic ataxia type 2 (EA2). Also called: ATAXIA, EPISODIC, WITH NYSTAGMUS; ATAXIA, FAMILIAL PAROXYSMAL; CEREBELLAR ATAXIA, PAROXYSMAL, ACETAZOLAMIDE-RESPONSIVE; CEREBELLOPATHY, HEREDITARY PAROXYSMAL; EPISODIC ATAXIA, NYSTAGMUS-ASSOCIATED; ACETAZOLAMIDE-RESPONSIVE HEREDITARY PAROXYSMAL CEREBELLAR ATAXIA. Identifiers: Orphanet 97, MedGen C1720416, MONDO:0007163, OMIM 108500.

Allele frequency attached by ClinVar (database versions not stated): gnomAD exomes below 0.00001; gnomAD 0.00001.
gnomAD v4.1: 3 of 1,613,748 alleles (0.00019%); highest among the groups gnomAD compares: African/African-American, 0.0013%; no homozygotes.

Submission:

Labcorp Genetics (formerly Invitae), Labcorp
Classification: Uncertain significance for Developmental and epileptic encephalopathy, 42; Episodic ataxia type 2. Last evaluated: 2023-11-25. Review status: criteria provided, single submitter. Criteria: Invitae Variant Classification Sherloc (09022015). Collection method: clinical testing. Allele origin: germline.
Comment: This sequence change replaces isoleucine, which is neutral and non-polar, with threonine, which is neutral and polar, at codon 1645 of the CACNA1A protein (p.Ile1645Thr). This variant is not present in population databases (gnomAD no frequency). This variant has not been reported in the literature in individuals affected with CACNA1A-related conditions. ClinVar contains an entry for this variant (Variation ID: 1488644). Advanced modeling of protein sequence and biophysical properties (such as structural, functional, and spatial information, amino acid conservation, physicochemical variation, residue mobility, and thermodynamic stability) performed at Invitae indicates that this missense variant is expected to disrupt CACNA1A protein function with a positive predictive value of 95%. In summary, the available evidence is currently insufficient to determine the role of this variant in disease. Therefore, it has been classified as a Variant of Uncertain Significance.

NM_001127222.2(CACNA1A):c.4931T>C (p.Ile1644Thr)

Gene: CACNA1A (calcium voltage-gated channel subunit alpha1 A; minus strand). Cytogenetic location: 19p13.13.
Variant type: single nucleotide variant.
Coding change: c.4931T>C on transcript NM_001127222.2 (MANE Select); coding-DNA position 4931, T replaced by C.
Protein change: p.Ile1644Thr; replaces isoleucine 1644 with threonine.
Molecular consequence: missense variant.
Genome position (GRCh38, 1-based): chr19:13,245,201, A>G on the plus strand (T>C on the coding strand, the complement: CACNA1A is on the minus strand). VCF-style: chr19-13245201-A-G. GRCh37 (hg19) VCF-style: chr19-13356015-A-G.
Other names: c.4943T>C, p.Ile1648Thr (NM_000068.4, NM_023035.3); c.4934T>C, p.Ile1645Thr (NM_001127221.2, NM_001174080.2); short protein forms I1644T, I1648T, I1645T.
Identifiers: ClinVar variation 1488644 (VCV001488644.8), dbSNP rs2056194193, ClinGen allele CA404337894.